The following is an entry in ClinVar:

NM_001048174.2(MUTYH):c.607G>T (p.Ala203Ser)

Gene: MUTYH (mutY DNA glycosylase; minus strand). Cytogenetic location: 1p34.1.
Variant type: single nucleotide variant.
Coding change: c.607G>T on transcript NM_001048174.2 (MANE Select); coding-DNA position 607, G replaced by T.
Protein change: p.Ala203Ser; replaces alanine 203 with serine.
Molecular consequence: missense variant. On other transcripts: non-coding transcript variant (7).
Genome position (GRCh38, 1-based): chr1:45,332,488, C>A on the plus strand (G>T on the coding strand, the complement: MUTYH is on the minus strand). VCF-style: chr1-45332488-C-A. GRCh37 (hg19) VCF-style: chr1-45798160-C-A.
Other names: c.607G>T, p.Ala203Ser (NM_001293195.2, NM_001407070.1, NM_001407072.1 and 6 more transcripts); c.331G>T, p.Ala111Ser (NM_001293196.2, NM_001407091.1, NM_001293192.2); c.262G>T, p.Ala88Ser (NM_001350650.2, NM_001350651.2, NM_001407082.1); c.640G>T, p.Ala214Ser (NM_001407069.1, NM_001293191.2, NM_001407077.1); c.610G>T, p.Ala204Ser (NM_001407071.1, NM_001048172.2, NM_001407078.1 and 1 more transcripts); c.628G>T, p.Ala210Ser (NM_001407087.1); c.682G>T, p.Ala228Ser (NM_012222.3); c.691G>T, p.Ala231Ser (NM_001128425.2); and 5 more; short protein forms A111S, A189S, A203S, A204S, A228S, A190S, A210S, A214S.
Identifiers: ClinVar variation 4113797 (VCV004113797.1).

ClinVar aggregate classification (germline): Uncertain significance (1 of 4 stars; one submission).

Conditions:
Hereditary cancer-predisposing syndrome. Also called: Hereditary neoplastic syndrome; Neoplastic Syndromes, Hereditary; Tumor predisposition; Hereditary Cancer Syndrome. Identifiers: Orphanet 140162, MedGen C0027672, MeSH D009386, MONDO:0015356.

Submission:

Ambry Genetics
Classification: Uncertain significance for Hereditary cancer-predisposing syndrome. Last evaluated: 2025-08-27. Review status: criteria provided, single submitter. Criteria: Ambry Variant Classification Scheme 2023. Collection method: clinical testing. Allele origin: germline.
Comment: The p.A231S variant (also known as c.691G>T) is located in coding exon 9 of the MUTYH gene. The alanine at codon 231 is replaced by serine, an amino acid with similar properties. This change occurs in the first base pair of coding exon 9. This amino acid position is conserved. In addition, the in silico prediction for this alteration is inconclusive. Based on the available evidence, the clinical significance of this variant remains unclear.